The following is an entry in ClinVar:

ClinVar aggregate classification (germline): Uncertain significance (1 of 4 stars; one submission).

Submission:

GeneDx
Classification: Uncertain significance. Last evaluated: 2025-07-21. Review status: criteria provided, single submitter. Criteria: GeneDx Variant Classification Process June 2021. Collection method: clinical testing. Allele origin: germline. Affected: yes.
Comment: Not observed at significant frequency in large population cohorts (gnomAD); In silico analysis supports that this missense variant has a deleterious effect on protein structure/function; Has not been previously published as pathogenic or benign to our knowledge

NM_000548.5(TSC2):c.3349G>T (p.Gly1117Trp)

Gene: TSC2 (TSC complex subunit 2; plus strand). Cytogenetic location: 16p13.3.
Variant type: single nucleotide variant.
Coding change: c.3349G>T on transcript NM_000548.5 (MANE Select); coding-DNA position 3349, G replaced by T.
Protein change: p.Gly1117Trp; replaces glycine 1117 with tryptophan.
Molecular consequence: missense variant. On other transcripts: non-coding transcript variant (5).
Genome position (GRCh38, 1-based): chr16:2,079,621, G>T. VCF-style: chr16-2079621-G-T. GRCh37 (hg19) VCF-style: chr16-2129622-G-T.
Other names: c.3250G>T, p.Gly1084Trp (NM_001318832.2); c.3220G>T, p.Gly1074Trp (NM_001363528.2, NM_001370405.1, NM_021055.3); c.3217G>T, p.Gly1073Trp (NM_001370404.1, NM_001406665.1, NM_001077183.3); c.3346G>T, p.Gly1116Trp (NM_001406663.1, NM_001406664.1); c.3310G>T, p.Gly1104Trp (NM_001406667.1); c.3307G>T, p.Gly1103Trp (NM_001406668.1); c.3238G>T, p.Gly1080Trp (NM_001406670.1); c.3208G>T, p.Gly1070Trp (NM_001406671.1); and 18 more; short protein forms G1024W, G1025W, G1036W, G1037W, G1054W, G1067W, G1068W, G1069W.
Identifiers: ClinVar variation 4686957 (VCV004686957.1).